The following is an entry in ClinVar:

ClinVar aggregate classification (germline): Likely benign. Review status: criteria provided, multiple submitters, no conflicts (2 of 4 stars). 2 submissions from 2 submitters: Likely benign (2). Last evaluated 2025-12-29.

Conditions:
Ullrich congenital muscular dystrophy 2 (UCMD2). Identifiers: Orphanet 75840, MedGen C4225314, MONDO:0014654, OMIM 616470.
Bethlem myopathy 2 (BTHLM2). Identifiers: Orphanet 536516, Orphanet 610, MedGen C4225313, MONDO:0034022, OMIM 616471.

Submissions (2):

Women's Health and Genetics/Laboratory Corporation of America, LabCorp
Classification: Likely benign. Last evaluated: 2025-12-29. Review status: criteria provided, single submitter. Criteria: LabCorp Variant Classification Summary - May 2015. Collection method: clinical testing. Allele origin: germline.
Comment: Variant summary: COL12A1 c.335-16_335-14delTAA alters a nucleotide located at a position not widely known to affect splicing. Consensus agreement among computation tools predict no significant impact on normal splicing. However, these predictions have yet to be confirmed by functional studies. The variant allele was found at a frequency of 4.7e-06 in 212046 control chromosomes. The available data on variant occurrences in the general population are insufficient to allow any conclusion about variant significance. To our knowledge, no occurrence of c.335-16_335-14delTAA in individuals affected with COL12A1-related conditions and no experimental evidence demonstrating its impact on protein function have been reported. ClinVar contains an entry for this variant (Variation ID: 2946846). Based on the evidence outlined above, the variant was classified as likely benign.

Labcorp Genetics (formerly Invitae), Labcorp
Classification: Likely benign for Bethlem myopathy 2; Ullrich congenital muscular dystrophy 2. Last evaluated: 2025-09-02. Review status: criteria provided, single submitter. Criteria: Invitae Variant Classification Sherloc (09022015). Collection method: clinical testing. Allele origin: germline.

NM_004370.6(COL12A1):c.335-22TAA[2]

Gene: COL12A1 (collagen type XII alpha 1 chain; minus strand). Cytogenetic location: 6q13.
Variant type: Microsatellite.
Coding change: c.335-22TAA[2] on transcript NM_004370.6 (MANE Select); two copies in a row of the 3-base unit TAA starting at c.335-22; the reference has three copies in a row; one copy, 3 bases deleted.
Molecular consequence: intron variant.
Genome position (GRCh38, 1-based): chr6:75,191,774-75,191,776, TTA deleted on the plus strand (TAA on the coding strand, the reverse complement: COL12A1 is on the minus strand); deleting any 3 consecutive bases within chr6:75,191,774-75,191,782 gives the same sequence; the position shown is the placement nearest the transcript's 3' end. VCF-style (leftmost placement, unchanged base first): chr6-75191773-TTTA-T. GRCh37 (hg19) VCF-style: chr6-75901489-TTTA-T.
Other names: c.335-16_335-14delTAA (NM_004370.6); c.73+10938TAA[2] (NM_001424116.1, NM_080645.3); c.335-22TAA[2] (NM_001424115.1, NM_001424114.1, NM_001424113.1).
Identifiers: ClinVar variation 2946846 (VCV002946846.4), dbSNP rs781308720, ClinGen allele CA3894455.